The following is an entry in ClinVar:

NM_001365999.1(SZT2):c.6976C>T (p.Arg2326Ter)

Gene: SZT2 (SZT2 subunit of KICSTOR complex; plus strand). Cytogenetic location: 1p34.2.
Variant type: single nucleotide variant.
Coding change: c.6976C>T on transcript NM_001365999.1 (MANE Select); coding-DNA position 6976, C replaced by T.
Protein change: p.Arg2326Ter; replaces arginine 2326 with a stop codon.
Molecular consequence: nonsense.
Genome position (GRCh38, 1-based): chr1:43,439,703, C>T. VCF-style: chr1-43439703-C-T. GRCh37 (hg19) VCF-style: chr1-43905374-C-T.
Other names: c.6805C>T, p.Arg2269Ter (NM_015284.4); short protein forms R2269*, R2326*.
Identifiers: ClinVar variation 1098635 (VCV001098635.11), dbSNP rs1654854600, ClinGen allele CA340032851.
Genomic context (GRCh38, chr1:43,439,703, plus strand): 5'-GGGGCCCCCTTGTCACTGGCGTTGTGGCCCCCCTCCTCTCCGGGGCCCCCAGACCCACTG[C>T]GAGAGGAGGAATTTGAGCAACTGACCCAGGTCATCCGCTGCCCGGTTGTTGTGGACAGTT-3'

ClinVar aggregate classification (germline): Pathogenic/Likely pathogenic. Review status: criteria provided, multiple submitters, no conflicts (2 of 4 stars). 4 submissions from 4 submitters: Pathogenic (1); Likely pathogenic (3). Last evaluated 2023-04-11.

Conditions:
Developmental and epileptic encephalopathy, 18 (DEE18). Also called: Early infantile epileptic encephalopathy 18. Identifiers: Orphanet 369894, MedGen C3809624, MONDO:0014201, OMIM 615476.

Allele frequency attached by ClinVar (database versions not stated): gnomAD 0.00001.

Submissions (4):

Genome-Nilou Lab
Classification: Likely pathogenic for Developmental and epileptic encephalopathy, 18. Last evaluated: 2023-04-11. Review status: criteria provided, single submitter. Criteria: ACMG Guidelines, 2015. Collection method: clinical testing. Allele origin: germline. Affected: no.

Labcorp Genetics (formerly Invitae), Labcorp
Classification: Pathogenic. Last evaluated: 2022-09-15. Review status: criteria provided, single submitter. Criteria: Invitae Variant Classification Sherloc (09022015). Collection method: clinical testing. Allele origin: germline.
Comment: This sequence change creates a premature translational stop signal (p.Arg2269*) in the SZT2 gene. It is expected to result in an absent or disrupted protein product. Loss-of-function variants in SZT2 are known to be pathogenic (PMID: 23932106, 27248490, 28556953). This variant is not present in population databases (gnomAD no frequency). This variant has not been reported in the literature in individuals affected with SZT2-related conditions. ClinVar contains an entry for this variant (Variation ID: 1098635). For these reasons, this variant has been classified as Pathogenic.

GeneDx
Classification: Likely pathogenic. Last evaluated: 2022-01-03. Review status: criteria provided, single submitter. Criteria: GeneDx Variant Classification Process June 2021. Collection method: clinical testing. Allele origin: germline. Affected: yes.
Comment: Nonsense variant predicted to result in protein truncation or nonsense mediated decay in a gene for which loss-of-function is a known mechanism of disease; Not observed at significant frequency in large population cohorts (gnomAD); Has not been previously published as pathogenic or benign to our knowledge

New York Genome Center
Classification: Likely pathogenic for Developmental and epileptic encephalopathy, 18. Last evaluated: 2020-05-12. Review status: criteria provided, single submitter. Criteria: NYGC Assertion Criteria 2020. Collection method: clinical testing. Allele origin: germline. Observed: 1 heterozygote. Study: CSER-NYCKidSeq.

Literature cited by the submitters: PubMed 23932106 (cited by Labcorp Genetics (formerly Invitae), Labcorp); PubMed 27248490 (cited by Labcorp Genetics (formerly Invitae), Labcorp); PubMed 28556953 (cited by Labcorp Genetics (formerly Invitae), Labcorp).